The following is an entry in ClinVar:

ClinVar aggregate classification (germline): Uncertain significance (1 of 4 stars; one submission).

Submission:

Labcorp Genetics (formerly Invitae), Labcorp
Classification: Uncertain significance. Last evaluated: 2024-04-17. Review status: criteria provided, single submitter. Criteria: Invitae Variant Classification Sherloc (09022015). Collection method: clinical testing. Allele origin: germline.
Comment: This sequence change replaces serine, which is neutral and polar, with threonine, which is neutral and polar, at codon 359 of the TCF3 protein (p.Ser359Thr). This variant is not present in population databases (gnomAD no frequency). This variant has not been reported in the literature in individuals affected with TCF3-related conditions. Advanced modeling of protein sequence and biophysical properties (such as structural, functional, and spatial information, amino acid conservation, physicochemical variation, residue mobility, and thermodynamic stability) performed at Invitae indicates that this missense variant is expected to disrupt TCF3 protein function with a positive predictive value of 80%. In summary, the available evidence is currently insufficient to determine the role of this variant in disease. Therefore, it has been classified as a Variant of Uncertain Significance.

NM_003200.5(TCF3):c.1075T>A (p.Ser359Thr)

Gene: TCF3 (transcription factor 3; minus strand). Cytogenetic location: 19p13.3.
Variant type: single nucleotide variant.
Coding change: c.1075T>A on transcript NM_003200.5 (MANE Select); coding-DNA position 1075, T replaced by A.
Protein change: p.Ser359Thr; replaces serine 359 with threonine.
Molecular consequence: missense variant.
Genome position (GRCh38, 1-based): chr19:1,620,986, A>T on the plus strand (T>A on the coding strand, the complement: TCF3 is on the minus strand). VCF-style: chr19-1620986-A-T. GRCh37 (hg19) VCF-style: chr19-1620985-A-T.
Other names: c.1075T>A, p.Ser359Thr (NM_001136139.4, NM_001351778.2, NM_001351779.2); short protein forms S359T.
Identifiers: ClinVar variation 3647040 (VCV003647040.2).